The following is an entry in ClinVar:

ClinVar aggregate classification (germline): Benign. Review status: criteria provided, multiple submitters, no conflicts (2 of 4 stars). 2 submissions from 2 submitters: Benign (2). Last evaluated 2018-06-19.

Allele frequency attached by ClinVar (database versions not stated): ESP Exome Variant Server 0.89228; gnomAD 0.89472 and 0.89795; TOPMed 0.90028; gnomAD exomes 0.90944 and 0.91903; 1000 Genomes Project 0.91853; ExAC 0.91918; 1000 Genomes Project 30x 0.91974.
gnomAD v4.1: 1,462,921 of 1,610,508 alleles (91%); highest among the groups gnomAD compares: East Asian, 100%; 664,963 homozygotes.

Submissions (2):

GeneDx
Classification: Benign. Last evaluated: 2018-06-19. Review status: criteria provided, single submitter. Criteria: GeneDx Variant Classification (06012015). Collection method: clinical testing. Allele origin: germline. Affected: yes.
Comment: This variant is considered likely benign or benign based on one or more of the following criteria: it is a conservative change, it occurs at a poorly conserved position in the protein, it is predicted to be benign by multiple in silico algorithms, and/or has population frequency not consistent with disease.

Breakthrough Genomics
Classification: Benign. Review status: criteria provided, single submitter. Criteria: ACMG Guidelines, 2015. Collection method: not provided. Allele origin: germline. Inheritance: Autosomal recessive inheritance. Affected: yes.

NM_021939.4(FKBP10):c.1400-44C>T

Gene: FKBP10 (FKBP prolyl isomerase 10; plus strand). Cytogenetic location: 17q21.2.
Variant type: single nucleotide variant.
Coding change: c.1400-44C>T on transcript NM_021939.4 (MANE Select); 44 bases into the intron before coding-DNA position 1400, C replaced by T.
Molecular consequence: intron variant.
Genome position (GRCh38, 1-based): chr17:41,821,610, C>T. VCF-style: chr17-41821610-C-T. GRCh37 (hg19) VCF-style: chr17-39977862-C-T.
Identifiers: ClinVar variation 674879 (VCV000674879.2), dbSNP rs8072866, ClinGen allele CA8566642.